The following is an entry in ClinVar:

NM_001009944.3(PKD1):c.5778del (p.Asn1927fs)

Gene: PKD1 (polycystin 1, transient receptor potential channel interacting; minus strand). Cytogenetic location: 16p13.3.
Variant type: Deletion.
Coding change: c.5778del on transcript NM_001009944.3 (MANE Select); coding-DNA position 5778, one base deleted (C; older notation c.5778delC).
Protein change: p.Asn1927fs; shifts the reading frame from asparagine 1927.
Molecular consequence: frameshift variant.
Genome position (GRCh38, 1-based): chr16:2,109,389, G deleted on the plus strand (C on the coding strand, the reverse complement: PKD1 is on the minus strand); the first of 2 consecutive G bases (chr16:2,109,389-2,109,390); deleting either gives the same sequence. VCF-style (leftmost placement, unchanged base first): chr16-2109388-TG-T. GRCh37 (hg19) VCF-style: chr16-2159389-TG-T.
Other names: c.5778del, p.Asn1927fs (NM_000296.4); c.5778delC (NM_001009944.2); short protein forms N1927fs.
Identifiers: ClinVar variation 3376944 (VCV003376944.1).

ClinVar aggregate classification (germline): Pathogenic (1 of 4 stars; one submission).

Conditions:
Polycystic kidney disease, adult type (PKD1). Also called: POLYCYSTIC KIDNEY DISEASE, ADULT, TYPE I; Polycystic Kidney Disease 1, Autosomal Dominant; Polycystic kidney disease 1; Polycystic kidney disease 1, severe; Polycystic Kidney, Autosomal Dominant; POLYCYSTIC KIDNEY DISEASE 1 WITH OR WITHOUT POLYCYSTIC LIVER DISEASE. Identifiers: MedGen C3149841, MONDO:0008263, OMIM 173900.

Submission:

Victorian Clinical Genetics Services, Murdoch Childrens Research Institute
Classification: Pathogenic for Polycystic kidney disease, adult type. Last evaluated: 2024-10-09. Review status: criteria provided, single submitter. Criteria: ACMG Guidelines, 2015. Collection method: clinical testing. Allele origin: germline. Inheritance: Autosomal dominant inheritance. Affected: yes.
Comment: Based on the classification scheme VCGS_Germline_v1.3.4, this variant is classified as Pathogenic. Following criteria are met: 0102 - Loss of function is a known mechanism of disease in this gene and is associated with polycystic kidney disease 1 (MIM#173900). (I) 0107 - This gene is associated with autosomal dominant disease. Polycystic kidney disease 1 (MIM#173900) is predominantly caused by monoallelic variants, with rare reports of biallelic variants causing disease (OMIM). (I) 0201 - Variant is predicted to cause nonsense-mediated decay (NMD) and loss of protein (premature termination codon is located at least 54 nucleotides upstream of the final exon-exon junction). (SP) 0251 - This variant is heterozygous. (I) 0301 - Variant is absent from gnomAD (both v2 and v3). (SP) 0701 - Other NMD-predicted variants comparable to the one identified in this case have very strong previous evidence for pathogenicity. Many NMD-predicted variants have been reported as pathogenic (ClinVar). (SP) 0807 - This variant has no previous evidence of pathogenicity. (I) 0905 - No published segregation evidence has been identified for this variant. (I) 1007 - No published functional evidence has been identified for this variant. (I) 1208 - Inheritance information for this variant is not currently available in this individual. (I) Legend: (SP) - Supporting pathogenic, (I) - Information, (SB) - Supporting benign